The following is an entry in ClinVar:

NM_000443.4(ABCB4):c.1231-6T>G

Gene: ABCB4 (ATP binding cassette subfamily B member 4; minus strand). Cytogenetic location: 7q21.12.
Variant type: single nucleotide variant.
Coding change: c.1231-6T>G on transcript NM_000443.4 (MANE Select); 6 bases into the intron before coding-DNA position 1231, T replaced by G.
Molecular consequence: intron variant.
Genome position (GRCh38, 1-based): chr7:87,443,450, A>C on the plus strand (T>G on the coding strand, the complement: ABCB4 is on the minus strand). VCF-style: chr7-87443450-A-C. GRCh37 (hg19) VCF-style: chr7-87072766-A-C.
Other names: c.1231-6T>G (NM_018850.3, NM_018849.3).
Identifiers: ClinVar variation 4846335 (VCV004846335.1).

ClinVar aggregate classification (germline): Uncertain significance (1 of 4 stars; one submission).

Conditions:
Familial intrahepatic cholestasis. Identifiers: Orphanet 284385, MedGen CN296401, MONDO:0017290.
Low phospholipid associated cholelithiasis (GBD1). Also called: Gallbladder disease 1; Gallstone cholecystitis. Identifiers: Orphanet 69663, MedGen C2609268, MONDO:0010939, OMIM 600803.

gnomAD v4.1: 2 of 1,614,128 alleles (0.00012%); highest among the groups gnomAD compares: South Asian, 0.0011%; no homozygotes.

Submission:

Genomenon, Inc
Classification: Uncertain significance for Familial intrahepatic cholestasis; Low phospholipid associated cholelithiasis. Last evaluated: 2026-04-14. Review status: criteria provided, single submitter. Criteria: Genomenon Sequence Variant Interpretation Standards - Updated. Collection method: curation. Allele origin: germline. Affected: no.
Comment: ABCB4 c.1231-6T>G is an intronic variant located in the acceptor splice region of intron 11. This variant has been reported in the published literature (PMID:38374565). It is absent or not present at a significant frequency in gnomAD. In silico models predict that this variant is not damaging. In conclusion, we classify ABCB4 c.1231-6T>G as a variant of uncertain significance.

Literature cited by the submitters: PubMed 38374565.